The following is an entry in ClinVar:

NM_145239.3(PRRT2):c.893T>C (p.Leu298Pro)

Genes: MVP-DT (MVP divergent transcript; minus strand), PRRT2 (proline rich transmembrane protein 2; plus strand). Cytogenetic location: 16p11.2.
Variant type: single nucleotide variant.
Coding change: c.893T>C on transcript NM_145239.3 (MANE Select); coding-DNA position 893, T replaced by C.
Protein change: p.Leu298Pro; replaces leucine 298 with proline.
Molecular consequence: missense variant. On other transcripts: 3 prime UTR variant (1).
Genome position (GRCh38, 1-based): chr16:29,814,346, T>C. VCF-style: chr16-29814346-T-C. GRCh37 (hg19) VCF-style: chr16-29825667-T-C.
Other names: c.893T>C, p.Leu298Pro (NM_001256442.2); c.*392T>C (NM_001256443.2); short protein forms L298P.
Identifiers: ClinVar variation 3704474 (VCV003704474.2).

ClinVar aggregate classification (germline): Uncertain significance (1 of 4 stars; one submission).

Conditions:
Episodic kinesigenic dyskinesia (EKD). Also called: Paroxysmal kinesigenic dyskinesia. Identifiers: Orphanet 98809, MedGen C1868682, MONDO:0044202.

Submission:

Labcorp Genetics (formerly Invitae), Labcorp
Classification: Uncertain significance for Episodic kinesigenic dyskinesia. Last evaluated: 2024-10-04. Review status: criteria provided, single submitter. Criteria: Invitae Variant Classification Sherloc (09022015). Collection method: clinical testing. Allele origin: germline.
Comment: This sequence change replaces leucine, which is neutral and non-polar, with proline, which is neutral and non-polar, at codon 298 of the PRRT2 protein (p.Leu298Pro). This variant is not present in population databases (gnomAD no frequency). This missense change has been observed in individual(s) with PRRT2-related conditions (PMID: 30034362, 30980674). Invitae Evidence Modeling of protein sequence and biophysical properties (such as structural, functional, and spatial information, amino acid conservation, physicochemical variation, residue mobility, and thermodynamic stability) has been performed for this missense variant. However, the output from this modeling did not meet the statistical confidence thresholds required to predict the impact of this variant on PRRT2 protein function. Experimental studies have shown that this missense change affects PRRT2 function (PMID: 30034362, 30980674). In summary, the available evidence is currently insufficient to determine the role of this variant in disease. Therefore, it has been classified as a Variant of Uncertain Significance.

Literature cited by the submitters: PubMed 30034362; PubMed 30980674.